The following is an entry in ClinVar:

NM_001371904.1(APOA5):c.944C>T (p.Ala315Val)

Gene: APOA5 (apolipoprotein A5; minus strand). Cytogenetic location: 11q23.3.
Variant type: single nucleotide variant.
Coding change: c.944C>T on transcript NM_001371904.1 (MANE Select); coding-DNA position 944, C replaced by T.
Protein change: p.Ala315Val; replaces alanine 315 with valine.
Molecular consequence: missense variant.
Genome position (GRCh38, 1-based): chr11:116,790,285, G>A on the plus strand (C>T on the coding strand, the complement: APOA5 is on the minus strand). VCF-style: chr11-116790285-G-A. GRCh37 (hg19) VCF-style: chr11-116661001-G-A.
Other names: c.944C>T, p.Ala315Val (NM_001166598.2, NM_052968.5); short protein forms A315V.
Identifiers: ClinVar variation 496499 (VCV000496499.17), dbSNP rs143292359, ClinGen allele CA6288957.

ClinVar aggregate classification (germline): Conflicting classifications of pathogenicity. Review status: criteria provided, conflicting classifications (1 of 4 stars). 7 submissions from 7 submitters: Uncertain significance (1); Benign (1); Likely benign (3). 2 of the submissions do not count toward it. Last evaluated 2026-02-01.

Conditions:
Cardiovascular phenotype. Identifiers: MedGen CN230736.

Allele frequency attached by ClinVar (database versions not stated): 1000 Genomes Project 0.00040; TOPMed 0.00045; 1000 Genomes Project 30x 0.00047; gnomAD 0.00050 and 0.00051; gnomAD exomes 0.00055 and 0.00059; ExAC 0.00063; ESP Exome Variant Server 0.00085.
gnomAD v4.1: 882 of 1,614,258 alleles (0.055%); highest among the groups gnomAD compares: Non-Finnish European, 0.059%; 1 homozygote.

Submissions (7):

Labcorp Genetics (formerly Invitae), Labcorp
Classification: Likely benign. Last evaluated: 2026-02-01. Review status: criteria provided, single submitter. Criteria: Invitae Variant Classification Sherloc (09022015). Collection method: clinical testing. Allele origin: germline.

Molecular Diagnostic Laboratory for Inherited Cardiovascular Disease, Montreal Heart Institute
Classification: Uncertain significance for Cardiovascular phenotype. Last evaluated: 2025-04-09. Review status: criteria provided, single submitter. Criteria: ACMG Guidelines, 2015. Collection method: clinical testing. Allele origin: germline. Affected: yes.

Ambry Genetics
Classification: Likely benign for Cardiovascular phenotype. Last evaluated: 2022-04-14. Review status: criteria provided, single submitter. Criteria: Ambry Variant Classification Scheme 2023. Collection method: clinical testing. Allele origin: germline.

GeneDx
Classification: Likely benign. Last evaluated: 2020-06-18. Review status: criteria provided, single submitter. Criteria: GeneDx Variant Classification Process June 2021. Collection method: clinical testing. Allele origin: germline. Affected: yes.
Comment: This variant is associated with the following publications: (PMID: 31619059, 12417524, 18601597, 25487149, 17717288)

Women's Health and Genetics/Laboratory Corporation of America, LabCorp
Classification: Benign. Last evaluated: 2017-07-17. Review status: criteria provided, single submitter. Criteria: LabCorp Variant Classification Summary - May 2015. Collection method: clinical testing. Allele origin: germline.
Comment: Variant summary: The APOA5 c.944C>T (p.Ala315Val) variant involves the alteration of a non-conserved nucleotide. 3/3 in silico tools predict a damaging outcome for this variant (Mutation Taster and SNPs&GO not captured due to low reliability index). This variant was found in 97/127594 control chromosomes including ExAC at a frequency of 0.0007602, which is approximately 11 times the estimated maximal expected allele frequency of a pathogenic APOA5 variant (0.0000667), suggesting this variant is likely a benign polymorphism. This variant did not cosegregate with hyperlipidemia in one family (Pennacchio_2002), while in another case-control study it was found that this variant does not play any dominant/important role in the genetic determination of plasma TG levels albeit its frequency was higher in cases than in controls (Hubacek_2006). Taken together, this variant is classified as benign.

Clinical Genetics DNA and cytogenetics Diagnostics Lab, Erasmus MC, Erasmus Medical Center
Classification: Likely pathogenic. Review status: no assertion criteria provided. Collection method: clinical testing. Allele origin: germline. Affected: yes. Study: VKGL Data-share Consensus. Not counted in ClinVar's aggregate classification.

Clinical Genetics, Academic Medical Center
Classification: Pathogenic. Review status: no assertion criteria provided. Collection method: clinical testing. Allele origin: germline. Affected: yes. Study: VKGL Data-share Consensus. Not counted in ClinVar's aggregate classification.